The following is an entry in ClinVar:

NM_017807.4(OSGEP):c.365G>T (p.Gly122Val)

Genes: OSGEP (O-sialoglycoprotein endopeptidase; minus strand), LOC107372315 (OSGEP/APEX1 bi-directional promoter region; plus strand). Cytogenetic location: 14q11.2.
Variant type: single nucleotide variant.
Coding change: c.365G>T on transcript NM_017807.4 (MANE Select); coding-DNA position 365, G replaced by T.
Protein change: p.Gly122Val; replaces glycine 122 with valine.
Molecular consequence: missense variant.
Genome position (GRCh38, 1-based): chr14:20,452,020, C>A on the plus strand (G>T on the coding strand, the complement: OSGEP is on the minus strand). VCF-style: chr14-20452020-C-A. GRCh37 (hg19) VCF-style: chr14-20920179-C-A.
Other names: short protein forms G122V.
Identifiers: ClinVar variation 1676512 (VCV001676512.5), dbSNP rs1166790792, ClinGen allele CA389124302.

ClinVar aggregate classification (germline): Likely pathogenic (1 of 4 stars; one submission).

Conditions:
Galloway-Mowat syndrome 3. Identifiers: MedGen C4540266, MONDO:0033007, OMIM 617729.

gnomAD v4.1: 1 of 1,613,240 alleles (0.000062%); highest among the groups gnomAD compares: Non-Finnish European, 0.000085%; no homozygotes.

Submission:

Greenwood Genetic Center Diagnostic Laboratories, Greenwood Genetic Center
Classification: Likely pathogenic for Galloway-Mowat syndrome 3. Last evaluated: 2022-04-19. Review status: criteria provided, single submitter. Criteria: ACMG Guidelines, 2015. Collection method: clinical testing. Allele origin: germline. Affected: yes.
Comment: PS3_moderate, PM2, PM3, PP3